The following is an entry in ClinVar:

NM_000038.6(APC):c.136-2953C>T

Gene: APC (APC regulator of WNT signaling pathway; plus strand). Cytogenetic location: 5q22.2.
Variant type: single nucleotide variant.
Coding change: c.136-2953C>T on transcript NM_000038.6 (MANE Select); 2953 bases into the intron before coding-DNA position 136, C replaced by T.
Molecular consequence: intron variant.
Genome position (GRCh38, 1-based): chr5:112,763,373, C>T. VCF-style: chr5-112763373-C-T. GRCh37 (hg19) VCF-style: chr5-112099070-C-T.
Other names: c.136-2953C>T (NM_001354895.2, NM_001127510.3, NM_001354896.2 and 2 more transcripts); c.166-2953C>T (NM_001354897.2, NM_001354902.2, NM_001127511.3); c.61-2953C>T (NM_001354898.2, NM_001354904.2); c.-900-2953C>T (NM_001354906.2); c.-42-2953C>T (NM_001354900.2, NM_001354901.2, NM_001354905.2).
Identifiers: ClinVar variation 82383 (VCV000082383.2), dbSNP rs78830334, ClinGen allele CA004666.

ClinVar aggregate classification (germline): other (0 of 4 stars; one submission).

Conditions:
Familial colorectal cancer. Identifiers: MedGen CN280943, MONDO:0023113. Disease mechanism: loss of function.

Submission:

Systems Biology Platform Zhejiang California International NanoSystems Institute
Classification: other for Familial colorectal cancer. Review status: no assertion criteria provided. Collection method: not provided. Allele origin: unknown.
ClinVar note: Converted during submission from cancer to other.